The following is an entry in ClinVar:

ClinVar aggregate classification (germline): Pathogenic (0 of 4 stars; one submission).

Conditions:
Steinert myotonic dystrophy syndrome (DM1). Also called: STEINERT DISEASE; Myotonic dystrophy type 1; Dystrophia myotonica type 1; Steinert myotonic dystrophy; Steinert's disease. Identifiers: Orphanet 273, MedGen C3250443, MONDO:0008056, OMIM 160900.

Submission:

Institute of Molecular, Cell and Systems Biology, University of Glasgow
Classification: Pathogenic for Steinert myotonic dystrophy syndrome. Review status: no assertion criteria provided. Criteria: research. Collection method: research. Allele origin: germline. Inheritance: Autosomal dominant inheritance. Affected: yes. Observed: 1 heterozygote.
Comment: DMPK CTG repeat expansions greater than approximately 45-50 repeats are assumed to be pathogenic

This record is based on data published in PubMed 25052313, which reports only ClinVar accessions SCV000120188 and SCV000120189. The complete data set includes SCV000207445 - SCV000207579.

Literature cited by the submitters: PubMed 1346923; PubMed 1546326; PubMed 25052313.

NM_004409.5(DMPK):c.*224CTG[887]

Genes: DM1-AS (DM1 locus antisense RNA; plus strand), DMPK (DM1 protein kinase; minus strand), LOC107075317 (origin of replication in DMPK trinucleotide repeat region; plus strand), LOC109461477 (dystrophia myotonica protein kinase repeat instability region; plus strand). Cytogenetic location: 19q13.32.
Variant type: Microsatellite.
Coding change: c.*224CTG[887] on transcript NM_004409.5 (MANE Select); 887 copies in a row of the 3-base unit CTG starting at c.*224.
Molecular consequence: 3 prime UTR variant.
Genome position: GRCh38, VCF-style position (the base before the change): chr19:45,770,204. GRCh37 (hg19), VCF-style position (the base before the change): chr19:46,273,462.
Other names: DM1 CTG repeat expansion; c.*369CTG[887] (NM_001424168.1, NM_001288766.2, NM_001424164.1); c.*224CTG[887] (NM_001424169.1, NM_001288764.2, NM_001424165.1 and 1 more transcripts); c.*217CTG[887] (NM_001288765.2, NM_001424162.1, NM_001424163.1 and 2 more transcripts); c.*222_*224TGC[887] (NM_001081563.3).
Identifiers: ClinVar variation 188039 (VCV000188039.1), ClinGen allele CA915951869.